The following is an entry in ClinVar:

NM_052867.4(NALCN):c.4198G>T (p.Val1400Phe)

Gene: NALCN (sodium leak channel, non-selective; minus strand). Cytogenetic location: 13q32.3.
Variant type: single nucleotide variant.
Coding change: c.4198G>T on transcript NM_052867.4 (MANE Select); coding-DNA position 4198, G replaced by T.
Protein change: p.Val1400Phe; replaces valine 1400 with phenylalanine.
Molecular consequence: missense variant.
Genome position (GRCh38, 1-based): chr13:101,068,827, C>A on the plus strand (G>T on the coding strand, the complement: NALCN is on the minus strand). VCF-style: chr13-101068827-C-A. GRCh37 (hg19) VCF-style: chr13-101721179-C-A.
Other names: c.4285G>T, p.Val1429Phe (NM_001350748.2); c.4198G>T, p.Val1400Phe (NM_001350749.2); c.4111G>T, p.Val1371Phe (NM_001350750.2, NM_001350751.2); short protein forms V1371F, V1400F, V1429F.
Identifiers: ClinVar variation 2229483 (VCV002229483.6), dbSNP rs771656968, ClinGen allele CA7035170.

ClinVar aggregate classification (germline): Uncertain significance. Review status: criteria provided, multiple submitters, no conflicts (2 of 4 stars). 3 submissions from 3 submitters: Uncertain significance (3). Last evaluated 2025-10-31.

Conditions:
Inborn genetic diseases. Identifiers: MedGen C0950123, MeSH D030342.

Allele frequency attached by ClinVar (database versions not stated): ExAC 0.00001.
gnomAD v4.1: 7 of 1,602,856 alleles (0.00044%); highest among the groups gnomAD compares: African/African-American, 0.004%; no homozygotes.

Submissions (3):

Labcorp Genetics (formerly Invitae), Labcorp
Classification: Uncertain significance. Last evaluated: 2025-10-31. Review status: criteria provided, single submitter. Criteria: Invitae Variant Classification Sherloc (09022015). Collection method: clinical testing. Allele origin: germline.
Comment: This sequence change replaces valine, which is neutral and non-polar, with phenylalanine, which is neutral and non-polar, at codon 1400 of the NALCN protein (p.Val1400Phe). This variant is present in population databases (rs771656968, gnomAD 0.01%). This variant has not been reported in the literature in individuals affected with NALCN-related conditions. ClinVar contains an entry for this variant (Variation ID: 2229483). An algorithm developed to predict the effect of missense changes on protein structure and function (PolyPhen-2) suggests that this variant is likely to be disruptive. Algorithms developed to predict the effect of sequence changes on RNA splicing suggest that this variant may disrupt the consensus splice site. In summary, the available evidence is currently insufficient to determine the role of this variant in disease. Therefore, it has been classified as a Variant of Uncertain Significance.

GeneDx
Classification: Uncertain significance. Last evaluated: 2022-09-09. Review status: criteria provided, single submitter. Criteria: GeneDx Variant Classification Process June 2021. Collection method: clinical testing. Allele origin: germline. Affected: yes.
Comment: In silico analysis supports that this missense variant has a deleterious effect on protein structure/function; In silico analysis supports a deleterious effect on splicing; Has not been previously published as pathogenic or benign to our knowledge

Ambry Genetics
Classification: Uncertain significance for Inborn genetic diseases. Last evaluated: 2021-02-05. Review status: criteria provided, single submitter. Criteria: Ambry Variant Classification Scheme 2023. Collection method: clinical testing. Allele origin: germline.
Comment: The c.4198G>T (p.V1400F) alteration is located in exon 38 (coding exon 37) of the NALCN gene. This alteration results from a G to T substitution at nucleotide position 4198, causing the valine (V) at amino acid position 1400 to be replaced by a phenylalanine (F). The p.V1400F alteration is predicted to be deleterious by in silico analysis. Based on insufficient or conflicting evidence, the clinical significance of this alteration remains unclear.